The following is an entry in ClinVar:

ClinVar aggregate classification (germline): Uncertain significance (1 of 4 stars; one submission).

Submission:

Labcorp Genetics (formerly Invitae), Labcorp
Classification: Uncertain significance. Last evaluated: 2025-08-23. Review status: criteria provided, single submitter. Criteria: Invitae Variant Classification Sherloc (09022015). Collection method: clinical testing. Allele origin: germline.
Comment: This sequence change replaces glutamic acid, which is acidic and polar, with aspartic acid, which is acidic and polar, at codon 4331 of the HMCN1 protein (p.Glu4331Asp). This variant is not present in population databases (gnomAD no frequency). This variant has not been reported in the literature in individuals affected with HMCN1-related conditions. An algorithm developed to predict the effect of missense changes on protein structure and function (PolyPhen-2) suggests that this variant is likely to be disruptive. In summary, the available evidence is currently insufficient to determine the role of this variant in disease. Therefore, it has been classified as a Variant of Uncertain Significance.

NM_031935.3(HMCN1):c.12993G>C (p.Glu4331Asp)

Gene: HMCN1 (hemicentin 1; plus strand). Cytogenetic location: 1q31.1.
Variant type: single nucleotide variant.
Coding change: c.12993G>C on transcript NM_031935.3 (MANE Select); coding-DNA position 12993, G replaced by C.
Protein change: p.Glu4331Asp; replaces glutamic acid 4331 with aspartic acid.
Molecular consequence: missense variant.
Genome position (GRCh38, 1-based): chr1:186,130,054, G>C. VCF-style: chr1-186130054-G-C. GRCh37 (hg19) VCF-style: chr1-186099186-G-C.
Other names: short protein forms E4331D.
Identifiers: ClinVar variation 4725645 (VCV004725645.1).